The following is an entry in ClinVar:

ClinVar aggregate classification (germline): Uncertain significance (1 of 4 stars; one submission).

Conditions:
Spermatogenic failure 18. Identifiers: MedGen C4539783, MONDO:0054615, OMIM 617576.
Ciliary dyskinesia, primary, 37 (CILD37). Also called: CILIARY DYSKINESIA, PRIMARY, 37, WITH OR WITHOUT SITUS INVERSUS. Identifiers: MedGen C4539798, MONDO:0033204, OMIM 617577.

Submission:

Juno Genomics, Hangzhou Juno Genomics, Inc
Classification: Uncertain significance for Ciliary dyskinesia, primary, 37; Spermatogenic failure 18. Review status: criteria provided, single submitter. Criteria: ACMG Guidelines, 2015. Collection method: clinical testing. Allele origin: germline.
Comment: Absent from controls (or at extremely low frequency if recessive) in Genome Aggregation Database.

NM_015512.5(DNAH1):c.10369T>C (p.Phe3457Leu)

Gene: DNAH1 (dynein axonemal heavy chain 1; plus strand). Cytogenetic location: 3p21.1.
Variant type: single nucleotide variant.
Coding change: c.10369T>C on transcript NM_015512.5 (MANE Select); coding-DNA position 10369, T replaced by C.
Protein change: p.Phe3457Leu; replaces phenylalanine 3457 with leucine.
Molecular consequence: missense variant.
Genome position (GRCh38, 1-based): chr3:52,392,920, T>C. VCF-style: chr3-52392920-T-C. GRCh37 (hg19) VCF-style: chr3-52426936-T-C.
Other names: short protein forms F3457L.
Identifiers: ClinVar variation 5006658 (VCV005006658.2).